The following is an entry in ClinVar:

NM_006009.4(TUBA1A):c.246C>T (p.Thr82=)

Gene: TUBA1A (tubulin alpha 1a; minus strand). Cytogenetic location: 12q13.12.
Variant type: single nucleotide variant.
Coding change: c.246C>T on transcript NM_006009.4 (MANE Select); coding-DNA position 246, C replaced by T.
Protein change: p.Thr82=; no amino-acid change (threonine 82 retained).
Molecular consequence: synonymous variant.
Genome position (GRCh38, 1-based): chr12:49,186,439, G>A on the plus strand (C>T on the coding strand, the complement: TUBA1A is on the minus strand). VCF-style: chr12-49186439-G-A. GRCh37 (hg19) VCF-style: chr12-49580222-G-A.
Other names: c.246C>T, p.Thr82= (NM_001270399.2); c.141C>T, p.Thr47= (NM_001270400.2).
Identifiers: ClinVar variation 212490 (VCV000212490.22), dbSNP rs1134868, ClinGen allele CA206541.

ClinVar aggregate classification (germline): Benign/Likely benign. Review status: criteria provided, multiple submitters, no conflicts (2 of 4 stars). 7 submissions from 7 submitters: Benign (5); Likely benign (2). Last evaluated 2026-04-01.

Allele frequency attached by ClinVar (database versions not stated): gnomAD 0.00175 and 0.00190; ExAC 0.00184; 1000 Genomes Project 30x 0.01156.

Submissions (7):

CeGaT Center for Human Genetics Tuebingen
Classification: Likely benign. Last evaluated: 2026-04-01. Review status: criteria provided, single submitter. Criteria: CeGaT Center For Human Genetics Tuebingen Variant Classification Criteria Version 2. Collection method: clinical testing. Allele origin: germline. Affected: yes. Observed: 1 variant allele.
Comment: TUBA1A: PP2, BP4, BS1

Labcorp Genetics (formerly Invitae), Labcorp
Classification: Benign. Last evaluated: 2026-01-15. Review status: criteria provided, single submitter. Criteria: Invitae Variant Classification Sherloc (09022015). Collection method: clinical testing. Allele origin: germline.

Laboratory of Genetics, Children's Clinical University Hospital Latvia
Classification: Benign. Last evaluated: 2025-02-16. Review status: criteria provided, single submitter. Criteria: ACMG Guidelines, 2015. Collection method: clinical testing. Allele origin: germline. Affected: yes.

Blueprint Genetics
Classification: Likely benign. Last evaluated: 2024-11-01. Review status: criteria provided, single submitter. Criteria: ACMG Guidelines, 2015. Collection method: clinical testing. Allele origin: germline.

GeneDx
Classification: Benign. Last evaluated: 2020-11-30. Review status: criteria provided, single submitter. Criteria: GeneDx Variant Classification Process June 2021. Collection method: clinical testing. Allele origin: germline. Affected: yes.

Genetic Services Laboratory, University of Chicago
Classification: Benign. Last evaluated: 2017-07-31. Review status: criteria provided, single submitter. Criteria: ACMG Guidelines, 2015. Collection method: clinical testing. Allele origin: germline. Affected: no.

Breakthrough Genomics
Classification: Benign. Review status: criteria provided, single submitter. Criteria: ACMG Guidelines, 2015. Collection method: not provided. Allele origin: germline. Inheritance: Autosomal dominant inheritance. Affected: yes.